The following is an entry in ClinVar:

ClinVar aggregate classification (germline): Likely benign (1 of 4 stars; one submission).

Submission:

GeneDx
Classification: Likely benign. Last evaluated: 2017-01-19. Review status: criteria provided, single submitter. Criteria: GeneDx Variant Classification (06012015). Collection method: clinical testing. Allele origin: germline. Affected: yes.
Comment: This variant is considered likely benign or benign based on one or more of the following criteria: it is a conservative change, it occurs at a poorly conserved position in the protein, it is predicted to be benign by multiple in silico algorithms, and/or has population frequency not consistent with disease.

NM_001099922.3(ALG13):c.1435+11A>G

Gene: ALG13 (ALG13 UDP-N-acetylglucosaminyltransferase subunit; plus strand). Cytogenetic location: Xq23.
Variant type: single nucleotide variant.
Coding change: c.1435+11A>G on transcript NM_001099922.3 (MANE Select); 11 bases into the intron after coding-DNA position 1435, A replaced by G.
Molecular consequence: intron variant.
Genome position (GRCh38, 1-based): chrX:111,721,722, A>G. VCF-style: chrX-111721722-A-G. GRCh37 (hg19) VCF-style: chrX-110964950-A-G.
Other names: c.1123+11A>G (NM_001257237.2, NM_001257234.2, NM_001257230.2); c.1014+1552A>G (NM_001324293.1); c.1201+11A>G (NM_001257231.2); c.1435+11A>G (NM_001324292.2).
Identifiers: ClinVar variation 506914 (VCV000506914.1), dbSNP rs1556499962, ClinGen allele CA658799843.